The following is an entry in ClinVar:

ClinVar aggregate classification (germline): Benign (1 of 4 stars; one submission).

Conditions:
Leukodystrophy, hypomyelinating, 8, with or without oligodontia and/or hypogonadotropic hypogonadism. Also called: LEUKODYSTROPHY, HYPOMYELINATING, 8, WITH HYPODONTIA AND HYPOGONADOTROPIC HYPOGONADISM; Hypomyelinating leukodystrophy 8 with or without oligodontia and-or hypogonadotropic hypogonadism; Endosteal sclerosis-cerebellar hypoplasia syndrome. Identifiers: Orphanet 85186, Orphanet 88637, MedGen C3280644, MONDO:0013722, OMIM 614381.

Allele frequency attached by ClinVar (database versions not stated): 1000 Genomes Project 30x 0.00765; gnomAD 0.00886 and 0.00826; TOPMed 0.00973; gnomAD exomes 0.00058; 1000 Genomes Project 0.00659.
gnomAD v4.1: 1,252 of 168,402 alleles (0.74%); highest among the groups gnomAD compares: African/African-American, 2.8%; 18 homozygotes.

Submission:

Illumina Laboratory Services, Illumina
Classification: Benign for Leukodystrophy, hypomyelinating, 8, with or without oligodontia and/or hypogonadotropic hypogonadism. Last evaluated: 2018-01-12. Review status: criteria provided, single submitter. Criteria: ICSL Variant Classification Criteria 13 December 2019. Collection method: clinical testing. Allele origin: germline.
Comment: This variant was observed in the ICSL laboratory as part of a predisposition screen in an ostensibly healthy population. It had not been previously curated by ICSL or reported in the Human Gene Mutation Database (HGMD: prior to June 1st, 2018), and was therefore a candidate for classification through an automated scoring system. Utilizing variant allele frequency, disease prevalence and penetrance estimates, and inheritance mode, an automated score was calculated to assess if this variant is too frequent to cause the disease. Based on the score and internal cut-off values, a variant classified as benign is not then subjected to further curation. The score for this variant resulted in a classification of benign for this disease.

NM_018082.6(POLR3B):c.*565G>A

Genes: POLR3B (RNA polymerase III subunit B; plus strand), RFX4-AS1 (RFX4 antisense RNA 1; minus strand). Cytogenetic location: 12q23.3.
Variant type: single nucleotide variant.
Coding change: c.*565G>A on transcript NM_018082.6 (MANE Select); 565 bases downstream of the stop codon, G replaced by A.
Molecular consequence: 3 prime UTR variant.
Genome position (GRCh38, 1-based): chr12:106,510,114, G>A. VCF-style: chr12-106510114-G-A. GRCh37 (hg19) VCF-style: chr12-106903892-G-A.
Other names: c.*565G>A (NM_001160708.2).
Identifiers: ClinVar variation 306959 (VCV000306959.5), dbSNP rs55715506, ClinGen allele CA10640006.